The following is an entry in ClinVar:

NM_000089.4(COL1A2):c.58G>A (p.Ala20Thr)

Gene: COL1A2 (collagen type I alpha 2 chain; plus strand). Cytogenetic location: 7q21.3.
Variant type: single nucleotide variant.
Coding change: c.58G>A on transcript NM_000089.4 (MANE Select); coding-DNA position 58, G replaced by A.
Protein change: p.Ala20Thr; replaces alanine 20 with threonine.
Molecular consequence: missense variant.
Genome position (GRCh38, 1-based): chr7:94,395,089, G>A. VCF-style: chr7-94395089-G-A. GRCh37 (hg19) VCF-style: chr7-94024401-G-A.
Other names: short protein forms A20T.
Identifiers: ClinVar variation 2183136 (VCV002183136.4), dbSNP rs777426777, ClinGen allele CA4346412.
Genomic context (GRCh38, chr7:94,395,089, plus strand): 5'-GACATGCTCAGCTTTGTGGATACGCGGACTTTGTTGCTGCTTGCAGTAACCTTATGCCTA[G>A]CAACATGCCAATGTAAGTGCCTTCAGCTTGTTTGGGGGAGACTGGGTAGAGAGGTTAGAT-3'
Protein context (NP_000080.2, residues 10-30): LLLLAVTLCL[Ala20Thr]TCQSLQEETV

ClinVar aggregate classification (germline): Uncertain significance (1 of 4 stars; one submission).

Conditions:
Ehlers-Danlos syndrome, classic type, 1 (EDSCL1). Also called: Ehlers-Danlos Syndrome, Classic Type, COL5A1-Related; EHLERS-DANLOS SYNDROME, GRAVIS TYPE; EHLERS-DANLOS SYNDROME, SEVERE CLASSIC TYPE; Ehlers-Danlos syndrome, type 1; EDS I. Identifiers: MedGen C0268335, MONDO:0019567, OMIM 130000.
Osteogenesis imperfecta type I (OI1). Also called: OI, TYPE I; OSTEOGENESIS IMPERFECTA TARDA; OSTEOGENESIS IMPERFECTA WITH BLUE SCLERAE; Osteogenesis imperfecta type 1; Classic Non-deforming Osteogenesis Imperfecta with Blue Sclerae; Lobstein's Disease. Identifiers: Orphanet 216796, Orphanet 666, MedGen C0023931, MONDO:0008146, OMIM 166200. Disease mechanism: loss of function.

Allele frequency attached by ClinVar (database versions not stated): ExAC 0.00003; gnomAD exomes 0.00001.
gnomAD v4.1: 15 of 1,614,014 alleles (0.00093%); highest among the groups gnomAD compares: South Asian, 0.015%; no homozygotes.

Submission:

Labcorp Genetics (formerly Invitae), Labcorp
Classification: Uncertain significance for Osteogenesis imperfecta type I; Ehlers-Danlos syndrome, classic type, 1. Last evaluated: 2023-05-23. Review status: criteria provided, single submitter. Criteria: Invitae Variant Classification Sherloc (09022015). Collection method: clinical testing. Allele origin: germline.
Comment: ClinVar contains an entry for this variant (Variation ID: 2183136). In summary, the available evidence is currently insufficient to determine the role of this variant in disease. Therefore, it has been classified as a Variant of Uncertain Significance. Advanced modeling of protein sequence and biophysical properties (such as structural, functional, and spatial information, amino acid conservation, physicochemical variation, residue mobility, and thermodynamic stability) performed at Invitae indicates that this missense variant is not expected to disrupt COL1A2 protein function. This variant has not been reported in the literature in individuals affected with COL1A2-related conditions. This variant is present in population databases (rs777426777, gnomAD 0.03%). This sequence change replaces alanine, which is neutral and non-polar, with threonine, which is neutral and polar, at codon 20 of the COL1A2 protein (p.Ala20Thr).